The following continues an entry in ClinVar:

NM_001079802.2(FKTN):c.1167dup (p.Phe390fs)

Gene: FKTN. ClinVar aggregate classification (germline): Pathogenic. Pathogenic (17).

Submissions 11 to 19 of 19:

Victorian Clinical Genetics Services, Murdoch Childrens Research Institute
Classification: Pathogenic for Muscular dystrophy-dystroglycanopathy (congenital with brain and eye anomalies), type A, 4. Last evaluated: 2021-05-06. Review status: criteria provided, single submitter. Criteria: ACMG Guidelines, 2015. Collection method: clinical testing. Allele origin: germline. Inheritance: Autosomal recessive inheritance.
Comment: Based on the classification scheme VCGS_Germline_v1.3.4, this variant is classified as Pathogenic. Following criteria are met: 0102 - Loss of function is a known mechanism of disease in this gene and is associated with muscular dystrophy-dystroglycanopathy (congenital with brain and eye anomalies) type 4A (MIM#253800). (I) 0106 - This gene is associated with autosomal recessive disease. Recessive pathogenic variants in this gene can cause three types of muscular dystrophy-dystroglycanopathy: a severe congenital form with brain and eye anomalies (type A4; MIM# 253800), formerly designated Fukuyama congenital muscular dystrophy (FCMD), Walker-Warburg syndrome (WWS), or muscle-eye-brain disease (MEB), a less severe congenital form without impaired intellectual development (type B4; MIM# 613152), and a milder limb-girdle form (type C4; MIM# 611588). (I) 0205 - Variant is predicted to result in a truncated protein (premature termination codon is NOT located at least 54 nucleotides upstream of the final exon-exon junction) with less than 1/3 of the protein sequence affected. (SP) 0251 - This variant is heterozygous. (I) 0304 - Variant is present in gnomAD (v2) <0.01 for a recessive condition (97 heterozygotes, 0 homozygotes) and is enriched in the Ashkenazi Jewish population. (SP) 0604 - Variant is not predicted to truncate an established domain, motif, hotspot or informative constraint region. (I) 0702 - Other truncating variants comparable to the one identified in this case have strong previous evidence for pathogenicity. At least three downstream truncating variants have previously been classified as pathogenic (ClinVar, DECIPHER). (SP) 0801 - This variant has very strong previous evidence of pathogenicity in unrelated individuals. The variant has previously been reported as pathogenic in many individuals with muscular dystrophy-dystroglycanopathies and is considered to be a founder variant in the Ashkenazi Jewish population. When homozygous, the variant results in the severe congenital type 4A form of disease with brain and eye anomalies (MIM#253800), however the type can vary when in compound heterozygosity with a different variant (ClinVar, LOVD, PMID: 19266496). (SP) 1208 - Inheritance information for this variant is not currently available in this individual. (I) Legend: (SP) - Supporting pathogenic, (I) - Information, (SB) - Supporting benign

Myriad Genetics, Inc.
Classification: Pathogenic for Muscular dystrophy-dystroglycanopathy (congenital with brain and eye anomalies), type A, 4. Last evaluated: 2019-11-15. Review status: criteria provided, single submitter. Criteria: Myriad Women's Health Autosomal Recessive and X-Linked Classification Criteria (2019). Collection method: clinical testing. Allele origin: unknown.
Comment: NM_001079802.1(FKTN):c.1167dupA(F390Ifs*14) is classified as pathogenic in the context of FKTN-related disorders. Sources cited for classification include the following: PMID 19266496, 18752264, 17878207, 10545611, 18177472 and 24144914. Classification of NM_001079802.1(FKTN):c.1167dupA(F390Ifs*14) is based on the following criteria: The variant causes a premature termination codon that is not expected to be targeted by nonsense-mediated mRNA decay; however, literature evidence strongly supports pathogenicity. Please note: this variant was assessed in the context of healthy population screening.

Knight Diagnostic Laboratories, Oregon Health and Sciences University
Classification: Pathogenic for Muscular dystrophy-dystroglycanopathy (limb-girdle), type C, 4. Last evaluated: 2019-03-21. Review status: criteria provided, single submitter. Criteria: ACMG Guidelines, 2015. Collection method: clinical testing. Allele origin: germline. Observed: 1 variant allele.

Illumina Laboratory Services, Illumina
Classification: Pathogenic for FKTN-Related Disorders. Last evaluated: 2018-11-13. Review status: criteria provided, single submitter. Criteria: ICSL Variant Classification Criteria 09 May 2019. Collection method: clinical testing. Allele origin: germline.
Comment: The FKTN c.1167dupA (p.Phe390IlefsTer14) variant results in a frameshift and is predicted to result in premature termination of the protein. Across a selection of the literature, the p.Phe390IlefsTer14 variant has been reported in at least 13 individuals, four of whom are related, diagnosed with a range of conditions. The variant has also been reported also reported in a compound heterozygous state in three individuals presenting with a limb girdle muscular dystrophy with no intellectual disability or brain abnormalities; two of the individuals are related and carry the variant in trans with a missense variant while the third carried the variant in trans with a second frameshift variant (Godfrey et al. 2006). Additionally the p.Phe390IlefsTer14 variant has been reported in a homozygous state in nine individuals with Walker-Warburg syndrome, a more severe phenotype, all of whom are of Ashkenazi Jewish ancestry from non-consanguineous families and share a common haplotype. The variant was detected in two or 299 alleles in a healthy American Ashkenazi Jewish control population suggesting this may be a founder variant in this population (Cotarelo et al. 2008; Manzini et al. 2008; Chang et al. 2009). The p.Phe390IlefsTer14 variant is reported at a frequency of 0.007991 in the Ashkenazi Jewish population of the Genome Aggregation Database. Based on the collective evidence and potential impact of frameshift variants, the p.Phe390IlefsTer14 variant is classified as pathogenic for FKTN-related disorders. This variant was observed by ICSL as part of a predisposition screen in an ostensibly healthy population.

Women's Health and Genetics/Laboratory Corporation of America, LabCorp
Classification: Pathogenic for Muscular dystrophy-dystroglycanopathy (congenital with brain and eye anomalies), type A, 4. Last evaluated: 2016-01-18. Review status: criteria provided, single submitter. Criteria: LabCorp Variant Classification Summary - May 2015. Collection method: clinical testing. Allele origin: germline.

Eurofins Ntd Llc (ga)
Classification: Pathogenic. Last evaluated: 2012-12-06. Review status: criteria provided, single submitter. Criteria: EGL Classification Definitions. Collection method: clinical testing. Allele origin: germline. Observed: 7 variant alleles, 7 heterozygotes.

Baylor Genetics
Classification: Pathogenic for Muscular dystrophy-dystroglycanopathy (congenital with brain and eye anomalies), type A, 4. Review status: criteria provided, single submitter. Criteria: ACMG Guidelines, 2015. Collection method: clinical testing. Allele origin: germline.

OMIM
Classification: Pathogenic for MUSCULAR DYSTROPHY-DYSTROGLYCANOPATHY (CONGENITAL WITH BRAIN AND EYE ANOMALIES), TYPE A, 4. Last evaluated: 2008-02-01. Review status: no assertion criteria provided. Collection method: literature only. Allele origin: germline. Not counted in ClinVar's aggregate classification.

OMIM
Classification: Pathogenic for MUSCULAR DYSTROPHY-DYSTROGLYCANOPATHY (LIMB-GIRDLE), TYPE C, 4. Last evaluated: 2008-02-01. Review status: no assertion criteria provided. Collection method: literature only. Allele origin: germline. Not counted in ClinVar's aggregate classification.

Literature cited by the submitters: PubMed 17878207 (cited by 4 submitters); PubMed 18177472 (cited by 6 submitters); PubMed 18752264 (cited by 3 submitters); PubMed 19266496 (cited by 6 submitters); PubMed 27065010 (cited by Labcorp Genetics (formerly Invitae), Labcorp); PubMed 10545611 (cited by 4 submitters); PubMed 17044012 (cited by Ambry Genetics and OMIM); PubMed 24144914 (cited by Ambry Genetics and Myriad Genetics, Inc.); PubMed 23757202 (cited by Eurofins Ntd Llc (ga)).